The following is an entry in ClinVar:

NM_015378.4(VPS13D):c.8951C>T (p.Pro2984Leu)

Gene: VPS13D (vacuolar protein sorting 13 homolog D; plus strand). Cytogenetic location: 1p36.22.
Variant type: single nucleotide variant.
Coding change: c.8951C>T on transcript NM_015378.4 (MANE Select); coding-DNA position 8951, C replaced by T.
Protein change: p.Pro2984Leu; replaces proline 2984 with leucine.
Molecular consequence: missense variant.
Genome position (GRCh38, 1-based): chr1:12,345,439, C>T. VCF-style: chr1-12345439-C-T. GRCh37 (hg19) VCF-style: chr1-12405496-C-T.
Other names: c.8876C>T, p.Pro2959Leu (NM_018156.4); short protein forms P2959L, P2984L.
Identifiers: ClinVar variation 3897056 (VCV003897056.1).

ClinVar aggregate classification (germline): Uncertain significance (1 of 4 stars; one submission).

Conditions:
Autosomal recessive cerebellar ataxia-saccadic intrusion syndrome. Also called: VPS13D Movement Disorder; SPINOCEREBELLAR ATAXIA 24. Identifiers: Orphanet 95434, MedGen C1846492, MONDO:0011811, OMIM 607317.

Submission:

Kariminejad - Najmabadi Pathology & Genetics Center
Classification: Uncertain significance for Autosomal recessive cerebellar ataxia-saccadic intrusion syndrome. Last evaluated: 2022-05-21. Review status: criteria provided, single submitter. Criteria: ACMG Guidelines, 2015. Collection method: clinical testing. Allele origin: germline. Inheritance: Autosomal recessive inheritance. Affected: yes.
Comment: PM2,PP3